The following is an entry in ClinVar:

ClinVar aggregate classification (germline): Uncertain significance. Review status: criteria provided, multiple submitters, no conflicts (2 of 4 stars). 2 submissions from 2 submitters: Uncertain significance (2). Last evaluated 2026-06-17.

Conditions:
Hereditary cancer-predisposing syndrome. Also called: Hereditary Cancer Syndrome; Hereditary neoplastic syndrome; Neoplastic Syndromes, Hereditary; Tumor predisposition. Identifiers: Orphanet 140162, MedGen C0027672, MeSH D009386, MONDO:0015356.

Submissions (2):

Ambry Genetics
Classification: Uncertain significance for Hereditary cancer-predisposing syndrome. Last evaluated: 2026-06-17. Review status: criteria provided, single submitter. Criteria: Ambry Variant Classification Scheme 2023. Collection method: clinical testing. Allele origin: germline.
Comment: The p.Y325S variant (also known as c.974A>C), located in coding exon 10 of the RB1 gene, results from an A to C substitution at nucleotide position 974. The tyrosine at codon 325 is replaced by serine, an amino acid with dissimilar properties. This amino acid position is highly conserved in available vertebrate species. In addition, this alteration is predicted to be deleterious by in silico analysis. Based on the available evidence, the clinical significance of this variant remains unclear.

GeneDx
Classification: Uncertain significance. Last evaluated: 2024-12-21. Review status: criteria provided, single submitter. Criteria: GeneDx Variant Classification Process June 2021. Collection method: clinical testing. Allele origin: germline. Affected: yes.
Comment: Not observed at significant frequency in large population cohorts (gnomAD); In silico analysis supports that this missense variant has a deleterious effect on protein structure/function; Has not been previously published as pathogenic or benign to our knowledge

NM_000321.3(RB1):c.974A>C (p.Tyr325Ser)

Gene: RB1 (RB transcriptional corepressor 1; plus strand). Cytogenetic location: 13q14.2.
Variant type: single nucleotide variant.
Coding change: c.974A>C on transcript NM_000321.3 (MANE Select); coding-DNA position 974, A replaced by C.
Protein change: p.Tyr325Ser; replaces tyrosine 325 with serine.
Molecular consequence: missense variant.
Genome position (GRCh38, 1-based): chr13:48,367,528, A>C. VCF-style: chr13-48367528-A-C. GRCh37 (hg19) VCF-style: chr13-48941664-A-C.
Other names: c.974A>C, p.Tyr325Ser (NM_001407165.1, NM_001407166.1); short protein forms Y325S.
Identifiers: ClinVar variation 2565224 (VCV002565224.4), dbSNP rs2542188468, ClinGen allele CA388160680.